The following is an entry in ClinVar:

NM_004656.4(BAP1):c.1117-5C>T

Gene: BAP1 (BRCA1 associated deubiquitinase 1; minus strand). Cytogenetic location: 3p21.1.
Variant type: single nucleotide variant.
Coding change: c.1117-5C>T on transcript NM_004656.4 (MANE Select); 5 bases into the intron before coding-DNA position 1117, C replaced by T.
Molecular consequence: intron variant.
Genome position (GRCh38, 1-based): chr3:52,404,591, G>A on the plus strand (C>T on the coding strand, the complement: BAP1 is on the minus strand). VCF-style: chr3-52404591-G-A. GRCh37 (hg19) VCF-style: chr3-52438607-G-A.
Other names: c.1117-5C>T (LRG_529t1).
Identifiers: ClinVar variation 417273 (VCV000417273.17), dbSNP rs771441619, ClinGen allele CA16611349.

ClinVar aggregate classification (germline): Conflicting classifications of pathogenicity. Review status: criteria provided, conflicting classifications (1 of 4 stars). 3 submissions from 3 submitters: Uncertain significance (1); Likely benign (2). Last evaluated 2025-02-19.

Conditions:
BAP1-related tumor predisposition syndrome (TPDS1). Also called: BAP1 tumor predisposition syndrome; Tumor susceptibility linked to germline BAP1 mutations; COMMON Syndrome; TUMOR PREDISPOSITION SYNDROME 1. Identifiers: Orphanet 289539, MedGen C3280492, MONDO:0013692, OMIM 614327.
Hereditary cancer-predisposing syndrome. Also called: Tumor predisposition; Neoplastic Syndromes, Hereditary; Hereditary neoplastic syndrome; Hereditary Cancer Syndrome. Identifiers: Orphanet 140162, MedGen C0027672, MeSH D009386, MONDO:0015356.

Submissions (3):

Labcorp Genetics (formerly Invitae), Labcorp
Classification: Likely benign for BAP1-related tumor predisposition syndrome. Last evaluated: 2025-02-19. Review status: criteria provided, single submitter. Criteria: Invitae Variant Classification Sherloc (09022015). Collection method: clinical testing. Allele origin: germline.

Ambry Genetics
Classification: Uncertain significance for Hereditary cancer-predisposing syndrome. Last evaluated: 2024-11-15. Review status: criteria provided, single submitter. Criteria: Ambry Variant Classification Scheme 2023. Collection method: clinical testing. Allele origin: germline.
Comment: The c.1117-5C>T intronic variant results from a C to T substitution 5 nucleotides upstream from coding exon 12 in the BAP1 gene. This nucleotide position is not well conserved in available vertebrate species. In silico splice site analysis predicts that this alteration will not have any significant effect on splicing. Based on the available evidence, the clinical significance of this variant remains unclear.

Myriad Genetics, Inc.
Classification: Likely benign for BAP1-related tumor predisposition syndrome. Last evaluated: 2024-07-15. Review status: criteria provided, single submitter. Criteria: Myriad Autosomal Dominant, Autosomal Recessive and X-Linked Classification Criteria (2023). Collection method: clinical testing. Allele origin: unknown.
Comment: This variant is considered likely benign. This variant is intronic and is not expected to impact mRNA splicing.